The following is an entry in ClinVar:

NM_001039591.3(USP9X):c.5459G>A (p.Arg1820Gln)

Gene: USP9X (ubiquitin specific peptidase 9 X-linked; plus strand). Cytogenetic location: Xp11.4.
Variant type: single nucleotide variant.
Coding change: c.5459G>A on transcript NM_001039591.3 (MANE Select); coding-DNA position 5459, G replaced by A.
Protein change: p.Arg1820Gln; replaces arginine 1820 with glutamine.
Molecular consequence: missense variant.
Genome position (GRCh38, 1-based): chrX:41,216,026, G>A. VCF-style: chrX-41216026-G-A. GRCh37 (hg19) VCF-style: chrX-41075279-G-A.
Other names: c.5459G>A, p.Arg1820Gln (NM_001039590.3); c.5474G>A, p.Arg1825Gln (NM_001410748.1, NM_001410749.1, NM_001437534.1); short protein forms R1820Q, R1825Q.
Identifiers: ClinVar variation 4680992 (VCV004680992.1).

ClinVar aggregate classification (germline): Uncertain significance (1 of 4 stars; one submission).

Submission:

GeneDx
Classification: Uncertain significance. Last evaluated: 2025-07-01. Review status: criteria provided, single submitter. Criteria: GeneDx Variant Classification Process June 2021. Collection method: clinical testing. Allele origin: germline. Affected: yes.
Comment: Not observed at significant frequency in large population cohorts (gnomAD); In silico analysis supports that this missense variant has a deleterious effect on protein structure/function; Has not been previously published as pathogenic or benign to our knowledge